The following is an entry in ClinVar:

NM_000465.4(BARD1):c.1371dup (p.Asp458fs)

Gene: BARD1 (BRCA1 associated RING domain 1; minus strand). Cytogenetic location: 2q35.
Variant type: Duplication.
Coding change: c.1371dup on transcript NM_000465.4 (MANE Select); coding-DNA position 1371, one base duplicated (A; older notation c.1371dupA).
Protein change: p.Asp458fs; shifts the reading frame from aspartic acid 458.
Molecular consequence: frameshift variant. On other transcripts: non-coding transcript variant (3), intron variant (3).
Genome position (GRCh38, 1-based): chr2:214,769,256, T duplicated on the plus strand (A on the coding strand, the reverse complement: BARD1 is on the minus strand); the first of 3 consecutive T bases (chr2:214,769,256-214,769,258); duplicating any one gives the same sequence. VCF-style (leftmost placement, unchanged base first): chr2-214769255-C-CT. GRCh37 (hg19) VCF-style: chr2-215633979-C-CT.
Other names: c.1371dupA (NM_000465.2); c.1314dup, p.Asp439fs (NM_001282543.2); c.159-16701dup (NM_001282548.2); c.216-16701dup (NM_001282545.2); c.364+23041dup (NM_001282549.2); short protein forms D439fs, D458fs.
Identifiers: ClinVar variation 1455827 (VCV001455827.11), dbSNP rs1553619704, ClinGen allele CA2573135148.

ClinVar aggregate classification (germline): Pathogenic. Review status: criteria provided, multiple submitters, no conflicts (2 of 4 stars). 3 submissions from 3 submitters: Pathogenic (3). Last evaluated 2026-06-01.

Conditions:
Hereditary cancer-predisposing syndrome. Also called: Tumor predisposition; Neoplastic Syndromes, Hereditary; Hereditary Cancer Syndrome; Hereditary neoplastic syndrome. Identifiers: Orphanet 140162, MedGen C0027672, MeSH D009386, MONDO:0015356.
Familial cancer of breast. Also called: BREAST CANCER, FAMILIAL; Hereditary breast cancer; hereditary breast carcinoma. Identifiers: Orphanet 227535, MedGen C0346153, MONDO:0016419, OMIM 114480. Disease mechanism: loss of function.

Submissions (3):

Ambry Genetics
Classification: Pathogenic for Hereditary cancer-predisposing syndrome. Last evaluated: 2026-06-01. Review status: criteria provided, single submitter. Criteria: Ambry Variant Classification Scheme 2023. Collection method: clinical testing. Allele origin: germline.
Comment: The c.1371dupA pathogenic mutation, located in coding exon 5 of the BARD1 gene, results from a duplication of A at nucleotide position 1371, causing a translational frameshift with a predicted alternate stop codon (p.D458Rfs*10). This variant is considered to be rare based on population cohorts in the Genome Aggregation Database (gnomAD). This variant is expected to result in loss of function by premature protein truncation or nonsense-mediated mRNA decay. As such, this variant is interpreted as a disease-causing mutation.

Labcorp Genetics (formerly Invitae), Labcorp
Classification: Pathogenic for Familial cancer of breast. Last evaluated: 2024-08-11. Review status: criteria provided, single submitter. Criteria: Invitae Variant Classification Sherloc (09022015). Collection method: clinical testing. Allele origin: germline.
Comment: This sequence change creates a premature translational stop signal (p.Asp458Argfs*10) in the BARD1 gene. It is expected to result in an absent or disrupted protein product. Loss-of-function variants in BARD1 are known to be pathogenic (PMID: 20077502, 21344236). This variant is not present in population databases (gnomAD no frequency). This variant has not been reported in the literature in individuals affected with BARD1-related conditions. ClinVar contains an entry for this variant (Variation ID: 1455827). For these reasons, this variant has been classified as Pathogenic.

Myriad Genetics, Inc.
Classification: Pathogenic for Familial cancer of breast. Last evaluated: 2023-05-02. Review status: criteria provided, single submitter. Criteria: Myriad Autosomal Dominant, Autosomal Recessive and X-Linked Classification Criteria (2023). Collection method: clinical testing. Allele origin: unknown.
Comment: This variant is considered pathogenic. This variant creates a frameshift predicted to result in premature protein truncation.

Literature cited by the submitters: PubMed 20077502 (cited by Labcorp Genetics (formerly Invitae), Labcorp); PubMed 21344236 (cited by Labcorp Genetics (formerly Invitae), Labcorp).